The following is an entry in ClinVar:

NM_001278431.2(C1QTNF5):c.358G>A (p.Asp120Asn)

Genes: C1QTNF5 (C1q and TNF related 5; minus strand), MFRP (membrane frizzled-related protein; minus strand). Cytogenetic location: 11q23.3.
Variant type: single nucleotide variant.
Coding change: c.358G>A on transcript NM_001278431.2 (MANE Select); coding-DNA position 358, G replaced by A.
Protein change: p.Asp120Asn; replaces aspartic acid 120 with asparagine.
Molecular consequence: missense variant. On other transcripts: 3 prime UTR variant (1).
Genome position (GRCh38, 1-based): chr11:119,339,705, C>T on the plus strand (G>A on the coding strand, the complement: C1QTNF5 is on the minus strand). VCF-style: chr11-119339705-C-T. GRCh37 (hg19) VCF-style: chr11-119210415-C-T.
Other names: c.358G>A, p.Asp120Asn (NM_015645.5); c.*1254G>A (NM_031433.4); short protein forms D120N.
Identifiers: ClinVar variation 1041044 (VCV001041044.10), dbSNP rs1950478147, ClinGen allele CA382969344.

ClinVar aggregate classification (germline): Uncertain significance (1 of 4 stars; one submission).

gnomAD v4.1: 1 of 1,605,616 alleles (0.000062%); no homozygotes.

Submission:

Labcorp Genetics (formerly Invitae), Labcorp
Classification: Uncertain significance. Last evaluated: 2022-09-16. Review status: criteria provided, single submitter. Criteria: Invitae Variant Classification Sherloc (09022015). Collection method: clinical testing. Allele origin: germline.
Comment: In summary, the available evidence is currently insufficient to determine the role of this variant in disease. Therefore, it has been classified as a Variant of Uncertain Significance. This sequence change replaces aspartic acid, which is acidic and polar, with asparagine, which is neutral and polar, at codon 120 of the C1QTNF5 protein (p.Asp120Asn). This variant is not present in population databases (gnomAD no frequency). This variant has not been reported in the literature in individuals affected with C1QTNF5-related conditions. ClinVar contains an entry for this variant (Variation ID: 1041044). Algorithms developed to predict the effect of missense changes on protein structure and function are either unavailable or do not agree on the potential impact of this missense change (SIFT: "Tolerated"; PolyPhen-2: "Possibly Damaging"; Align-GVGD: "Class C0").